The following is an entry in ClinVar:

NM_014283.5(SUCO):c.-264A>T

Genes: SUCO (SUN domain containing ossification factor; plus strand), LOC129931913 (ATAC-STARR-seq lymphoblastoid silent region 1552; plus strand). Cytogenetic location: 1q24.3.
Variant type: single nucleotide variant.
Coding change: c.-264A>T on transcript NM_014283.5 (MANE Select); 264 bases upstream of the start codon, A replaced by T.
Molecular consequence: 5 prime UTR variant. On other transcripts: intron variant (1).
Genome position (GRCh38, 1-based): chr1:172,533,172, A>T. VCF-style: chr1-172533172-A-T. GRCh37 (hg19) VCF-style: chr1-172502312-A-T.
Other names: c.-264A>T (NM_001282750.2); c.-1793A>T (NM_001282751.2); c.327-5A>T (NM_016227.4).
Identifiers: ClinVar variation 3038917 (VCV003038917.2), dbSNP rs369053337, ClinGen allele CA1246399.
Genomic context (GRCh38, chr1:172,533,172, plus strand): 5'-GGCCTCACGGAGCAAGGCCCCCGGCGGGCGGGGAGGATATGGGGCGGCAGTGGCGGCTGC[A>T]GGAGGCGGGCGTGGACGAGCCGGTGGCTGCAGCGGCGGCGGTCCCCGGAGTCCTGTGAAG-3'

ClinVar aggregate classification (germline): Benign (0 of 4 stars; one submission).

Conditions:
SUCO-related disorder. Also called: SUCO-related condition.

Allele frequency attached by ClinVar (database versions not stated): ExAC 0.00457; 1000 Genomes Project 0.01078; 1000 Genomes Project 30x 0.01171; gnomAD 0.01194; TOPMed 0.01362.
gnomAD v4.1: 3,359 of 1,472,080 alleles (0.23%); highest among the groups gnomAD compares: African/African-American, 4.2%; 72 homozygotes.

Submission:

PreventionGenetics, part of Exact Sciences
Classification: Benign for SUCO-related condition. Last evaluated: 2019-11-14. Review status: no assertion criteria provided. Collection method: clinical testing. Allele origin: germline.
Comment: This variant is classified as benign based on ACMG/AMP sequence variant interpretation guidelines (Richards et al. 2015 PMID: 25741868, with internal and published modifications).